The following is an entry in ClinVar:

ClinVar aggregate classification (germline): Uncertain significance (1 of 4 stars; one submission).

Conditions:
Leukocyte adhesion deficiency 1 (LAD1). Also called: LEUKOCYTE ADHESION DEFICIENCY, TYPE I; LAD 1; Lymphocyte function-associated antigen 1 immunodeficiency; LFA 1 immunodeficiency. Identifiers: Orphanet 2968, Orphanet 99842, MedGen C0398738, MONDO:0007293, OMIM 116920.

Submission:

Labcorp Genetics (formerly Invitae), Labcorp
Classification: Uncertain significance for Leukocyte adhesion deficiency 1. Last evaluated: 2022-10-24. Review status: criteria provided, single submitter. Criteria: Invitae Variant Classification Sherloc (09022015). Collection method: clinical testing. Allele origin: germline.
Comment: This variant has not been reported in the literature in individuals affected with ITGB2-related conditions. In summary, the available evidence is currently insufficient to determine the role of this variant in disease. Therefore, it has been classified as a Variant of Uncertain Significance. Algorithms developed to predict the effect of missense changes on protein structure and function are either unavailable or do not agree on the potential impact of this missense change (SIFT: "Deleterious"; PolyPhen-2: "Probably Damaging"; Align-GVGD: "Class C15"). This variant is not present in population databases (gnomAD no frequency). This sequence change replaces aspartic acid, which is acidic and polar, with asparagine, which is neutral and polar, at codon 300 of the ITGB2 protein (p.Asp300Asn).

NM_000211.5(ITGB2):c.898G>A (p.Asp300Asn)

Gene: ITGB2 (integrin subunit beta 2; minus strand). Cytogenetic location: 21q22.3.
Variant type: single nucleotide variant.
Coding change: c.898G>A on transcript NM_000211.5 (MANE Select); coding-DNA position 898, G replaced by A.
Protein change: p.Asp300Asn; replaces aspartic acid 300 with asparagine.
Molecular consequence: missense variant.
Genome position (GRCh38, 1-based): chr21:44,899,162, C>T on the plus strand (G>A on the coding strand, the complement: ITGB2 is on the minus strand). VCF-style: chr21-44899162-C-T. GRCh37 (hg19) VCF-style: chr21-46319077-C-T.
Other names: c.898G>A, p.Asp300Asn (NM_001127491.3); c.691G>A, p.Asp231Asn (NM_001303238.2); short protein forms D231N, D300N.
Identifiers: ClinVar variation 1994162 (VCV001994162.4), dbSNP rs2517115765, ClinGen allele CA410473743.